The following is an entry in ClinVar:

ClinVar aggregate classification (germline): Uncertain significance (1 of 4 stars; one submission).

Conditions:
Familial thoracic aortic aneurysm and aortic dissection (TAAD). Also called: Thoracic aortic aneurysms and dissections. Identifiers: Orphanet 91387, MedGen C4707243, MONDO:0019625.

Submission:

Color Diagnostics, LLC DBA Color Health
Classification: Uncertain significance for Familial thoracic aortic aneurysm and aortic dissection. Last evaluated: 2024-03-06. Review status: criteria provided, single submitter. Criteria: ACMG Guidelines, 2015. Collection method: clinical testing. Allele origin: germline.
Comment: This missense variant replaces threonine with alanine at codon 2733 of the FBN1 protein. Computational prediction suggests that this variant may not impact protein structure and function (internally defined REVEL score threshold <= 0.5, PMID: 27666373). To our knowledge, functional studies have not been reported for this variant. This variant has not been reported in individuals affected with cardiovascular disorders in the literature. This variant has not been identified in the general population by the Genome Aggregation Database (gnomAD). The available evidence is insufficient to determine the role of this variant in disease conclusively. Therefore, this variant is classified as a Variant of Uncertain Significance.

NM_000138.5(FBN1):c.8197A>G (p.Thr2733Ala)

Gene: FBN1 (fibrillin 1; minus strand). Cytogenetic location: 15q21.1.
Variant type: single nucleotide variant.
Coding change: c.8197A>G on transcript NM_000138.5 (MANE Select); coding-DNA position 8197, A replaced by G.
Protein change: p.Thr2733Ala; replaces threonine 2733 with alanine.
Molecular consequence: missense variant.
Genome position (GRCh38, 1-based): chr15:48,412,598, T>C on the plus strand (A>G on the coding strand, the complement: FBN1 is on the minus strand). VCF-style: chr15-48412598-T-C. GRCh37 (hg19) VCF-style: chr15-48704795-T-C.
Other names: c.8197A>G, p.Thr2733Ala (NM_001406716.1); short protein forms T2733A.
Identifiers: ClinVar variation 2775397 (VCV002775397.2), dbSNP rs2505375242, ClinGen allele CA392320768.